The following is an entry in ClinVar:

ClinVar aggregate classification (germline): Benign/Likely benign. Review status: criteria provided, multiple submitters, no conflicts (2 of 4 stars). 6 submissions from 6 submitters: Benign (2); Likely benign (4). Last evaluated 2026-08-01.

Conditions:
Cardiovascular phenotype. Identifiers: MedGen CN230736.
Telangiectasia, hereditary hemorrhagic, type 2 (HHT2). Also called: ACVRL1-Related Hereditary Hemorrhagic Telangiectasia; Telangiectasia, hereditary hemorrhagic, type II. Identifiers: Orphanet 774, MedGen C1838163, MONDO:0010880, OMIM 600376. Disease mechanism: loss of function.

Allele frequency attached by ClinVar (database versions not stated): gnomAD 0.00006 and 0.00010; TOPMed 0.00007; ESP Exome Variant Server 0.00015; 1000 Genomes Project 30x 0.00016; 1000 Genomes Project 0.00020; gnomAD exomes 0.00032; ExAC 0.00041.
gnomAD v4.1: 334 of 1,613,224 alleles (0.021%); highest among the groups gnomAD compares: Middle Eastern, 0.2%; 2 homozygotes.

Submissions (6):

CeGaT Center for Human Genetics Tuebingen
Classification: Likely benign. Last evaluated: 2026-08-01. Review status: criteria provided, single submitter. Criteria: CeGaT Center For Human Genetics Tuebingen Variant Classification Criteria Version 2. Collection method: clinical testing. Allele origin: germline. Affected: yes. Observed: 5 variant alleles.
Comment: ACVRL1: BP4, BP7, BS1

Labcorp Genetics (formerly Invitae), Labcorp
Classification: Benign for Telangiectasia, hereditary hemorrhagic, type 2. Last evaluated: 2026-01-19. Review status: criteria provided, single submitter. Criteria: Invitae Variant Classification Sherloc (09022015). Collection method: clinical testing. Allele origin: germline.

Blueprint Genetics
Classification: Likely benign. Last evaluated: 2024-11-25. Review status: criteria provided, single submitter. Criteria: ACMG Guidelines, 2015. Collection method: clinical testing. Allele origin: germline.

Genome-Nilou Lab
Classification: Benign for Telangiectasia, hereditary hemorrhagic, type 2. Last evaluated: 2021-12-05. Review status: criteria provided, single submitter. Criteria: ACMG Guidelines, 2015. Collection method: clinical testing. Allele origin: germline. Affected: no.

Illumina Laboratory Services, Illumina
Classification: Likely benign for Telangiectasia, hereditary hemorrhagic, type 2. Last evaluated: 2018-01-13. Review status: criteria provided, single submitter. Criteria: ICSL Variant Classification Criteria 13 December 2019. Collection method: clinical testing. Allele origin: germline.
Comment: This variant was observed in the ICSL laboratory as part of a predisposition screen in an ostensibly healthy population. It had not been previously curated by ICSL or reported in the Human Gene Mutation Database (HGMD: prior to June 1st, 2018), and was therefore a candidate for classification through an automated scoring system. Utilizing variant allele frequency, disease prevalence and penetrance estimates, and inheritance mode, an automated score was calculated to assess if this variant is too frequent to cause the disease. Based on the score and internal cut-off values, a variant classified as likely benign is not then subjected to further curation. The score for this variant resulted in a classification of likely benign for this disease.

Ambry Genetics
Classification: Likely benign for Cardiovascular phenotype. Last evaluated: 2016-12-06. Review status: criteria provided, single submitter. Criteria: Ambry Variant Classification Scheme 2023. Collection method: clinical testing. Allele origin: germline.

NM_000020.3(ACVRL1):c.759C>T (p.His253=)

Gene: ACVRL1 (activin A receptor like type 1; plus strand). Cytogenetic location: 12q13.13.
Variant type: single nucleotide variant.
Coding change: c.759C>T on transcript NM_000020.3 (MANE Select); coding-DNA position 759, C replaced by T.
Protein change: p.His253=; no amino-acid change (histidine 253 retained).
Molecular consequence: synonymous variant.
Genome position (GRCh38, 1-based): chr12:51,914,572, C>T. VCF-style: chr12-51914572-C-T. GRCh37 (hg19) VCF-style: chr12-52308356-C-T.
Other names: c.759C>T, p.His253= (NM_001077401.2).
Identifiers: ClinVar variation 696927 (VCV000696927.45), dbSNP rs374020751, ClinGen allele CA6572979.